The following is an entry in ClinVar:

ClinVar aggregate classification (germline): Uncertain significance (1 of 4 stars; one submission).

Conditions:
Primary ciliary dyskinesia. Also called: Ciliary dyskinesia. Identifiers: Orphanet 244, MedGen C0008780, MONDO:0016575, HP:0012265.

gnomAD v4.1: 7 of 1,555,280 alleles (0.00045%); highest among the groups gnomAD compares: Non-Finnish European, 0.00061%; no homozygotes.

Submission:

Labcorp Genetics (formerly Invitae), Labcorp
Classification: Uncertain significance for Primary ciliary dyskinesia. Last evaluated: 2021-08-19. Review status: criteria provided, single submitter. Criteria: Invitae Variant Classification Sherloc (09022015). Collection method: clinical testing. Allele origin: germline.
Comment: This sequence change replaces proline with serine at codon 115 of the DNAAF2 protein (p.Pro115Ser). The proline residue is weakly conserved and there is a moderate physicochemical difference between proline and serine. In summary, the available evidence is currently insufficient to determine the role of this variant in disease. Therefore, it has been classified as a Variant of Uncertain Significance. Algorithms developed to predict the effect of missense changes on protein structure and function output the following: SIFT: "Deleterious"; PolyPhen-2: "Benign"; Align-GVGD: "Class C0". The serine amino acid residue is found in multiple mammalian species, which suggests that this missense change does not adversely affect protein function. This variant has not been reported in the literature in individuals affected with DNAAF2-related conditions. The frequency data for this variant in the population databases is considered unreliable, as metrics indicate insufficient coverage at this position in the ExAC database.

NM_018139.3(DNAAF2):c.343C>T (p.Pro115Ser)

Gene: DNAAF2 (dynein axonemal assembly factor 2; minus strand). Cytogenetic location: 14q21.3.
Variant type: single nucleotide variant.
Coding change: c.343C>T on transcript NM_018139.3 (MANE Select); coding-DNA position 343, C replaced by T.
Protein change: p.Pro115Ser; replaces proline 115 with serine.
Molecular consequence: missense variant.
Genome position (GRCh38, 1-based): chr14:49,634,807, G>A on the plus strand (C>T on the coding strand, the complement: DNAAF2 is on the minus strand). VCF-style: chr14-49634807-G-A. GRCh37 (hg19) VCF-style: chr14-50101525-G-A.
Other names: c.343C>T, p.Pro115Ser (NM_001083908.2); short protein forms P115S.
Identifiers: ClinVar variation 1496783 (VCV001496783.5), dbSNP rs931555570, ClinGen allele CA389632050.